The following is an entry in ClinVar:

ClinVar aggregate classification (germline): Uncertain significance. Review status: criteria provided, multiple submitters, no conflicts (2 of 4 stars). 2 submissions from 2 submitters: Uncertain significance (2). Last evaluated 2026-08-14.

Conditions:
Cardiac arrhythmia, ankyrin-B-related. Also called: ANKYRIN-B SYNDROME. Identifiers: Orphanet 101016, Orphanet 768, MedGen C1970119, MONDO:0010958, OMIM 600919.

Submissions (2):

GeneDx
Classification: Uncertain significance. Last evaluated: 2026-08-14. Review status: criteria provided, single submitter. Criteria: GeneDx Variant Classification Process June 2021. Collection method: clinical testing. Allele origin: germline.
Comment: Not observed at significant frequency in large population cohorts (gnomAD); In silico analysis supports that this missense variant has a deleterious effect on protein structure/function; Has not been previously published as pathogenic or benign to our knowledge

Illumina Laboratory Services, Illumina
Classification: Uncertain significance for Cardiac arrhythmia, ankyrin-B-related. Last evaluated: 2018-01-12. Review status: criteria provided, single submitter. Criteria: ICSL Variant Classification Criteria 13 December 2019. Collection method: clinical testing. Allele origin: germline.

NM_001148.6(ANK2):c.11486C>T (p.Pro3829Leu)

Gene: ANK2 (ankyrin 2; plus strand). Cytogenetic location: 4q26.
Variant type: single nucleotide variant.
Coding change: c.11486C>T on transcript NM_001148.6 (MANE Select); coding-DNA position 11486, C replaced by T.
Protein change: p.Pro3829Leu; replaces proline 3829 with leucine.
Molecular consequence: missense variant.
Genome position (GRCh38, 1-based): chr4:113,369,681, C>T. VCF-style: chr4-113369681-C-T. GRCh37 (hg19) VCF-style: chr4-114290837-C-T.
Other names: c.5204C>T, p.Pro1735Leu (NM_001127493.3); c.5243C>T, p.Pro1748Leu (NM_001354225.2); c.5132C>T, p.Pro1711Leu (NM_001354228.2, NM_001354258.2); c.5210C>T, p.Pro1737Leu (NM_001354230.2); c.5273C>T, p.Pro1758Leu (NM_001354231.2, NM_001354242.2); c.5267C>T, p.Pro1756Leu (NM_001354232.2); c.5228C>T, p.Pro1743Leu (NM_001354235.2, NM_001354246.2, NM_001354265.2); c.5129C>T, p.Pro1710Leu (NM_001354236.2); and 35 more; short protein forms P1673L, P1723L, P1734L, P1735L, P1737L, P1758L, P1770L, P3829L.
Identifiers: ClinVar variation 900543 (VCV000900543.6), dbSNP rs2096659859, ClinGen allele CA357942819.